The following is an entry in ClinVar:

ClinVar aggregate classification (germline): Uncertain significance (1 of 4 stars; one submission).

Conditions:
Multiple endocrine neoplasia, type 2 (MEN2). Identifiers: Orphanet 653, MedGen C4048306, MONDO:0019003. Disease mechanism: gain of function.

Submission:

Labcorp Genetics (formerly Invitae), Labcorp
Classification: Uncertain significance for Multiple endocrine neoplasia, type 2. Last evaluated: 2022-06-04. Review status: criteria provided, single submitter. Criteria: Invitae Variant Classification Sherloc (09022015). Collection method: clinical testing. Allele origin: germline.
Comment: In summary, the available evidence is currently insufficient to determine the role of this variant in disease. Therefore, it has been classified as a Variant of Uncertain Significance. Algorithms developed to predict the effect of missense changes on protein structure and function are either unavailable or do not agree on the potential impact of this missense change (SIFT: "Tolerated"; PolyPhen-2: "Probably Damaging"; Align-GVGD: "Class C0"). This variant has not been reported in the literature in individuals affected with RET-related conditions. This variant is not present in population databases (gnomAD no frequency). This sequence change replaces proline, which is neutral and non-polar, with serine, which is neutral and polar, at codon 956 of the RET protein (p.Pro956Ser).

NM_020975.6(RET):c.2866C>T (p.Pro956Ser)

Gene: RET (ret proto-oncogene; plus strand). Cytogenetic location: 10q11.21.
Variant type: single nucleotide variant.
Coding change: c.2866C>T on transcript NM_020975.6 (MANE Select); coding-DNA position 2866, C replaced by T.
Protein change: p.Pro956Ser; replaces proline 956 with serine.
Molecular consequence: missense variant.
Genome position (GRCh38, 1-based): chr10:43,123,735, C>T. VCF-style: chr10-43123735-C-T. GRCh37 (hg19) VCF-style: chr10-43619183-C-T.
Other names: c.2737C>T, p.Pro913Ser (NM_001406761.1, NM_001406762.1, NM_001406764.1); c.2731C>T, p.Pro911Ser (NM_001406763.1, NM_001406765.1); c.2578C>T, p.Pro860Ser (NM_001406766.1, NM_001406767.1, NM_001406770.1); c.2602C>T, p.Pro868Ser (NM_001406768.1); c.2470C>T, p.Pro824Ser (NM_001406769.1, NM_001406772.1); c.1969C>T, p.Pro657Ser (NM_001406780.1, NM_001406781.1, NM_001406782.1 and 1 more transcripts); c.1840C>T, p.Pro614Ser (NM_001406783.1, NM_001406786.1); c.1876C>T, p.Pro626Ser (NM_001406784.1); and 10 more; short protein forms P521S, P617S, P824S, P956S, P473S, P612S, P626S, P657S.
Identifiers: ClinVar variation 2171041 (VCV002171041.4), dbSNP rs2538615719, ClinGen allele CA376557847.